The following is an entry in ClinVar:

ClinVar aggregate classification (germline): Likely benign. Review status: criteria provided, multiple submitters, no conflicts (2 of 4 stars). 3 submissions from 3 submitters: Likely benign (3). Last evaluated 2025-06-10.

Conditions:
Hereditary nonpolyposis colorectal neoplasms. Identifiers: MedGen C0009405, MeSH D003123.
Hereditary cancer-predisposing syndrome. Also called: Hereditary neoplastic syndrome; Hereditary Cancer Syndrome; Neoplastic Syndromes, Hereditary; Tumor predisposition. Identifiers: Orphanet 140162, MedGen C0027672, MeSH D009386, MONDO:0015356.

Allele frequency attached by ClinVar (database versions not stated): gnomAD exomes below 0.00001; ExAC 0.00001.
gnomAD v4.1: 2 of 1,598,634 alleles (0.00013%); highest among the groups gnomAD compares: Non-Finnish European, 0.00017%; no homozygotes.

Submissions (3):

Labcorp Genetics (formerly Invitae), Labcorp
Classification: Likely benign for Hereditary nonpolyposis colorectal neoplasms. Last evaluated: 2025-06-10. Review status: criteria provided, single submitter. Criteria: Invitae Variant Classification Sherloc (09022015). Collection method: clinical testing. Allele origin: germline.

GeneDx
Classification: Likely benign. Last evaluated: 2016-10-10. Review status: criteria provided, single submitter. Criteria: GeneDx Variant Classification (06012015). Collection method: clinical testing. Allele origin: germline. Affected: yes.
Comment: This variant is considered likely benign or benign based on one or more of the following criteria: it is a conservative change, it occurs at a poorly conserved position in the protein, it is predicted to be benign by multiple in silico algorithms, and/or has population frequency not consistent with disease.

Color Diagnostics, LLC DBA Color Health
Classification: Likely benign for Hereditary cancer-predisposing syndrome. Last evaluated: 2016-04-29. Review status: criteria provided, single submitter. Criteria: ACMG Guidelines, 2015. Collection method: clinical testing. Allele origin: germline.

NM_000535.7(PMS2):c.903+11T>A

Gene: PMS2 (PMS1 homolog 2, mismatch repair system component; minus strand). Cytogenetic location: 7p22.1.
Variant type: single nucleotide variant.
Coding change: c.903+11T>A on transcript NM_000535.7 (MANE Select); 11 bases into the intron after coding-DNA position 903, T replaced by A.
Molecular consequence: intron variant.
Genome position (GRCh38, 1-based): chr7:5,995,523, A>T on the plus strand (T>A on the coding strand, the complement: PMS2 is on the minus strand). VCF-style: chr7-5995523-A-T. GRCh37 (hg19) VCF-style: chr7-6035154-A-T.
Other names: c.585+11T>A (NM_001322008.2, NM_001322007.2); c.498+11T>A (NM_001322010.2, NM_001322004.2, NM_001322003.2 and 2 more transcripts); c.330+11T>A (NM_001322013.2); c.-31+11T>A (NM_001322012.2, NM_001322011.2); c.594+11T>A (NM_001322015.2); c.903+11T>A (NM_001322006.2, NM_001322014.2).
Identifiers: ClinVar variation 378385 (VCV000378385.11), dbSNP rs766296823, ClinGen allele CA052224.
Genomic context (GRCh38, chr7:5,995,523, plus strand): 5'-TATCAGAAAAAAGTTATCAATTAAAAGTCAAAGGCATAAAGAACAAACTAACACAAAAAA[A>T]TTTTAAATACCTTTGCTGGGTCACAAGGCCGCCGGTTGATAAAGAAAAACTGTCTGTCTG-3'